The following is an entry in ClinVar:

NM_001163435.3(TBCK):c.625A>G (p.Ile209Val)

Gene: TBCK (TBC1 domain containing kinase; minus strand). Cytogenetic location: 4q24.
Variant type: single nucleotide variant.
Coding change: c.625A>G on transcript NM_001163435.3 (MANE Select); coding-DNA position 625, A replaced by G.
Protein change: p.Ile209Val; replaces isoleucine 209 with valine.
Molecular consequence: missense variant.
Genome position (GRCh38, 1-based): chr4:106,250,451, T>C on the plus strand (A>G on the coding strand, the complement: TBCK is on the minus strand). VCF-style: chr4-106250451-T-C. GRCh37 (hg19) VCF-style: chr4-107171608-T-C.
Other names: c.625A>G, p.Ile209Val (NM_001163436.4); c.508A>G, p.Ile170Val (NM_001163437.3); c.109A>G, p.Ile37Val (NM_001290768.2); c.436A>G, p.Ile146Val (NM_033115.5); c.625A>G (NM_001163435.1); short protein forms I209V, I146V, I37V, I170V.
Identifiers: ClinVar variation 1360696 (VCV001360696.8), dbSNP rs1761305460, ClinGen allele CA357825290.

ClinVar aggregate classification (germline): Uncertain significance. Review status: criteria provided, multiple submitters, no conflicts (2 of 4 stars). 2 submissions from 2 submitters: Uncertain significance (2). Last evaluated 2025-06-06.

Conditions:
Inborn genetic diseases. Identifiers: MedGen C0950123, MeSH D030342.

Allele frequency attached by ClinVar (database versions not stated): TOPMed 0.00001.

Submissions (2):

Ambry Genetics
Classification: Uncertain significance for Inborn genetic diseases. Last evaluated: 2025-06-06. Review status: criteria provided, single submitter. Criteria: Ambry Variant Classification Scheme 2023. Collection method: clinical testing. Allele origin: germline.

Labcorp Genetics (formerly Invitae), Labcorp
Classification: Uncertain significance. Last evaluated: 2024-07-22. Review status: criteria provided, single submitter. Criteria: Invitae Variant Classification Sherloc (09022015). Collection method: clinical testing. Allele origin: germline.
Comment: This sequence change replaces isoleucine, which is neutral and non-polar, with valine, which is neutral and non-polar, at codon 209 of the TBCK protein (p.Ile209Val). This variant is not present in population databases (gnomAD no frequency). This variant has not been reported in the literature in individuals affected with TBCK-related conditions. ClinVar contains an entry for this variant (Variation ID: 1360696). Advanced modeling of protein sequence and biophysical properties (such as structural, functional, and spatial information, amino acid conservation, physicochemical variation, residue mobility, and thermodynamic stability) performed at Invitae indicates that this missense variant is not expected to disrupt TBCK protein function with a negative predictive value of 80%. In summary, the available evidence is currently insufficient to determine the role of this variant in disease. Therefore, it has been classified as a Variant of Uncertain Significance.